The following is an entry in ClinVar:

NM_002907.4(RECQL):c.1906T>G (p.Ser636Ala)

Genes: PYROXD1 (pyridine nucleotide-disulphide oxidoreductase domain 1; plus strand), RECQL (RecQ like helicase; minus strand). Cytogenetic location: 12p12.1.
Variant type: single nucleotide variant.
Coding change: c.1906T>G on transcript NM_002907.4 (MANE Select); coding-DNA position 1906, T replaced by G.
Protein change: p.Ser636Ala; replaces serine 636 with alanine.
Molecular consequence: missense variant. On other transcripts: 3 prime UTR variant (3).
Genome position (GRCh38, 1-based): chr12:21,470,238, A>C on the plus strand (T>G on the coding strand, the complement: RECQL is on the minus strand). VCF-style: chr12-21470238-A-C. GRCh37 (hg19) VCF-style: chr12-21623172-A-C.
Other names: c.1906T>G, p.Ser636Ala (NM_032941.3); c.*1484A>C (NM_001350912.2, NM_001350913.2, NM_024854.5); short protein forms S636A.
Identifiers: ClinVar variation 852628 (VCV000852628.8), dbSNP rs756178394, ClinGen allele CA6478589.

ClinVar aggregate classification (germline): Uncertain significance. Review status: criteria provided, multiple submitters, no conflicts (2 of 4 stars). 2 submissions from 2 submitters: Uncertain significance (2). Last evaluated 2025-12-26.

Allele frequency attached by ClinVar (database versions not stated): TOPMed below 0.00001; ExAC 0.00001; gnomAD exomes 0.00001 and 0.00003; gnomAD 0.00002.
gnomAD v4.1: 52 of 1,609,844 alleles (0.0032%); highest among the groups gnomAD compares: Non-Finnish European, 0.0042%; no homozygotes.

Submissions (2):

Labcorp Genetics (formerly Invitae), Labcorp
Classification: Uncertain significance. Last evaluated: 2025-12-26. Review status: criteria provided, single submitter. Criteria: Invitae Variant Classification Sherloc (09022015). Collection method: clinical testing. Allele origin: germline.
Comment: This sequence change replaces serine, which is neutral and polar, with alanine, which is neutral and non-polar, at codon 636 of the RECQL protein (p.Ser636Ala). This variant is present in population databases (rs756178394, gnomAD 0.004%). This variant has not been reported in the literature in individuals affected with RECQL-related conditions. ClinVar contains an entry for this variant (Variation ID: 852628). An algorithm developed to predict the effect of missense changes on protein structure and function (PolyPhen-2) suggests that this variant is likely to be tolerated. In summary, the available evidence is currently insufficient to determine the role of this variant in disease. Therefore, it has been classified as a Variant of Uncertain Significance.

Ambry Genetics
Classification: Uncertain significance. Last evaluated: 2025-02-06. Review status: criteria provided, single submitter. Criteria: Ambry Variant Classification Scheme 2023. Collection method: clinical testing. Allele origin: germline.